The following is an entry in ClinVar:

ClinVar aggregate classification (germline): Likely benign. Review status: criteria provided, multiple submitters, no conflicts (2 of 4 stars). 2 submissions from 2 submitters: Likely benign (2). Last evaluated 2026-01-14.

Conditions:
Dilated cardiomyopathy 1AA (CMD1AA). Also called: CARDIOMYOPATHY, DILATED, 1AA, WITH OR WITHOUT LEFT VENTRICULAR NONCOMPACTION; CARDIOMYOPATHY, FAMILIAL HYPERTROPHIC, 23, WITH OR WITHOUT LEFT VENTRICULAR NONCOMPACTION; Cardiomyopathy, dilated, 1AA, with or without LVNC. Identifiers: Orphanet 154, MedGen C2677338, MONDO:0012808, OMIM 612158.
Primary familial hypertrophic cardiomyopathy (HCM). Identifiers: Orphanet 99739, MedGen C0949658, MeSH D024741, MONDO:0024573. Inheritance: Various modes of inheritance.

Allele frequency attached by ClinVar (database versions not stated): gnomAD exomes 0.00001; gnomAD 0.00002; TOPMed 0.00004.
gnomAD v4.1: 15 of 1,613,802 alleles (0.00093%); highest among the groups gnomAD compares: East Asian, 0.0022%; no homozygotes.

Submissions (2):

Labcorp Genetics (formerly Invitae), Labcorp
Classification: Likely benign for Primary familial hypertrophic cardiomyopathy; Dilated cardiomyopathy 1AA. Last evaluated: 2026-01-14. Review status: criteria provided, single submitter. Criteria: Invitae Variant Classification Sherloc (09022015). Collection method: clinical testing. Allele origin: germline.

GeneDx
Classification: Likely benign. Last evaluated: 2017-01-24. Review status: criteria provided, single submitter. Criteria: GeneDx Variant Classification (06012015). Collection method: clinical testing. Allele origin: germline. Affected: yes.
Comment: This variant is considered likely benign or benign based on one or more of the following criteria: it is a conservative change, it occurs at a poorly conserved position in the protein, it is predicted to be benign by multiple in silico algorithms, and/or has population frequency not consistent with disease.

NM_001103.4(ACTN2):c.2527-18G>A

Gene: ACTN2 (actinin alpha 2; plus strand). Cytogenetic location: 1q43.
Variant type: single nucleotide variant.
Coding change: c.2527-18G>A on transcript NM_001103.4 (MANE Select); 18 bases into the intron before coding-DNA position 2527, G replaced by A.
Molecular consequence: intron variant.
Genome position (GRCh38, 1-based): chr1:236,762,443, G>A. VCF-style: chr1-236762443-G-A. GRCh37 (hg19) VCF-style: chr1-236925743-G-A.
Other names: c.1903-18G>A (NM_001278344.2); c.2527-18G>A (NM_001278343.2).
Identifiers: ClinVar variation 506997 (VCV000506997.6), dbSNP rs1486613146, ClinGen allele CA529912424.
Genomic context (GRCh38, chr1:236,762,443, plus strand): 5'-GAAATATGTAAGTATTAAGACTGTTTATGTTGTGGTGTTTCTGCAACTGACTGCAAACAC[G>A]TGTGTATTTTTTCCCAGCCATACATCCTGGCGGAGGAGCTGCGTCGGGAGCTGCCCCCGG-3'